The following is an entry in ClinVar:

ClinVar aggregate classification (germline): Uncertain significance (1 of 4 stars; one submission).

gnomAD v4.1: 5 of 1,613,672 alleles (0.00031%); highest among the groups gnomAD compares: Non-Finnish European, 0.00042%; no homozygotes.

Submission:

Ambry Genetics
Classification: Uncertain significance. Last evaluated: 2024-12-14. Review status: criteria provided, single submitter. Criteria: Ambry Variant Classification Scheme 2023. Collection method: clinical testing. Allele origin: germline.
Comment: The p.D687Y variant (also known as c.2059G>T), located in coding exon 13 of the GEN1 gene, results from a G to T substitution at nucleotide position 2059. The aspartic acid at codon 687 is replaced by tyrosine, an amino acid with highly dissimilar properties. This amino acid position is conserved. In addition, this alteration is predicted to be tolerated by in silico analysis. Based on the available evidence, the clinical significance of this variant remains unclear.

NM_001130009.3(GEN1):c.2059G>T (p.Asp687Tyr)

Gene: GEN1 (GEN1 Holliday junction 5' flap endonuclease; plus strand). Cytogenetic location: 2p24.2.
Variant type: single nucleotide variant.
Coding change: c.2059G>T on transcript NM_001130009.3 (MANE Select); coding-DNA position 2059, G replaced by T.
Protein change: p.Asp687Tyr; replaces aspartic acid 687 with tyrosine.
Molecular consequence: missense variant.
Genome position (GRCh38, 1-based): chr2:17,781,271, G>T. VCF-style: chr2-17781271-G-T. GRCh37 (hg19) VCF-style: chr2-17962538-G-T.
Other names: c.2059G>T, p.Asp687Tyr (NM_182625.5); short protein forms D687Y.
Identifiers: ClinVar variation 3853426 (VCV003853426.1).